The following is an entry in ClinVar:

ClinVar aggregate classification (germline): Uncertain significance. Review status: criteria provided, multiple submitters, no conflicts (2 of 4 stars). 3 submissions from 3 submitters: Uncertain significance (3). Last evaluated 2026-09-17.

Conditions:
C3 glomerulonephritis. Also called: Nephropathy due to CFHR5 Deficiency; C3 GLOMERULOPATHY 3. Identifiers: Orphanet 329931, MedGen C4055342, MONDO:0013892, OMIM 614809.
Complement component 3 deficiency. Identifiers: Orphanet 280133, MedGen C3151071, MONDO:0013417, OMIM 613779.
Atypical hemolytic-uremic syndrome. Identifiers: Orphanet 2134, MedGen C2931788, MONDO:0016244.

Allele frequency attached by ClinVar (database versions not stated): gnomAD 0.00001.
gnomAD v4.1: 5 of 1,614,210 alleles (0.00031%); highest among the groups gnomAD compares: Middle Eastern, 0.05%; no homozygotes.

Submissions (3):

Genomenon, Inc
Classification: Uncertain significance for Complement component 3 deficiency; C3 glomerulonephritis; Atypical hemolytic-uremic syndrome. Last evaluated: 2026-09-17. Review status: criteria provided, single submitter. Criteria: Genomenon Sequence Variant Interpretation Standards - Updated. Collection method: curation. Allele origin: germline. Affected: no.
Comment: C3 p.Thr1233Pro (c.3697A>C) is a missense variant that changes the amino acid at codon 1233 from Threonine to Proline. This variant has been reported in the published literature (PMID:33615079). It is absent or not present at a significant frequency in gnomAD. In silico models predict that this variant is possibly or probably damaging. In conclusion, we classify C3 p.Thr1233Pro (c.3697A>C) as a variant of uncertain significance.

Labcorp Genetics (formerly Invitae), Labcorp
Classification: Uncertain significance. Last evaluated: 2025-10-14. Review status: criteria provided, single submitter. Criteria: Invitae Variant Classification Sherloc (09022015). Collection method: clinical testing. Allele origin: germline.
Comment: This sequence change replaces threonine, which is neutral and polar, with proline, which is neutral and non-polar, at codon 1233 of the C3 protein (p.Thr1233Pro). This variant is not present in population databases (gnomAD no frequency). This variant has not been reported in the literature in individuals affected with C3-related conditions. ClinVar contains an entry for this variant (Variation ID: 1934224). Invitae Evidence Modeling of protein sequence and biophysical properties (such as structural, functional, and spatial information, amino acid conservation, physicochemical variation, residue mobility, and thermodynamic stability) indicates that this missense variant is expected to disrupt C3 protein function with a positive predictive value of 80%. In summary, the available evidence is currently insufficient to determine the role of this variant in disease. Therefore, it has been classified as a Variant of Uncertain Significance.

Blueprint Genetics
Classification: Uncertain significance. Last evaluated: 2024-03-25. Review status: criteria provided, single submitter. Criteria: ACMG Guidelines, 2015. Collection method: clinical testing. Allele origin: germline.

Literature cited by the submitters: PubMed 33615079 (cited by Genomenon, Inc).

NM_000064.4(C3):c.3697A>C (p.Thr1233Pro)

Gene: C3 (complement C3; minus strand). Cytogenetic location: 19p13.3.
Variant type: single nucleotide variant.
Coding change: c.3697A>C on transcript NM_000064.4 (MANE Select); coding-DNA position 3697, A replaced by C.
Protein change: p.Thr1233Pro; replaces threonine 1233 with proline.
Molecular consequence: missense variant.
Genome position (GRCh38, 1-based): chr19:6,686,237, T>G on the plus strand (A>C on the coding strand, the complement: C3 is on the minus strand). VCF-style: chr19-6686237-T-G. GRCh37 (hg19) VCF-style: chr19-6686248-T-G.
Other names: short protein forms T1233P.
Identifiers: ClinVar variation 1934224 (VCV001934224.7), dbSNP rs1327111445, ClinGen allele CA403619917.